The following is an entry in ClinVar:

ClinVar aggregate classification (germline): Likely benign. Review status: criteria provided, multiple submitters, no conflicts (2 of 4 stars). 2 submissions from 2 submitters: Likely benign (2). Last evaluated 2025-12-23.

Conditions:
FREM2-related disorder. Also called: FREM2-related condition.

Allele frequency attached by ClinVar (database versions not stated): gnomAD 0.00001; gnomAD exomes 0.00002; TOPMed 0.00003; ESP Exome Variant Server 0.00008; ExAC 0.00012.
gnomAD v4.1: 27 of 1,614,044 alleles (0.0017%); highest among the groups gnomAD compares: Admixed American, 0.037%; no homozygotes.

Submissions (2):

Labcorp Genetics (formerly Invitae), Labcorp
Classification: Likely benign. Last evaluated: 2025-12-23. Review status: criteria provided, single submitter. Criteria: Invitae Variant Classification Sherloc (09022015). Collection method: clinical testing. Allele origin: germline.

PreventionGenetics, part of Exact Sciences
Classification: Likely benign for FREM2-related condition. Last evaluated: 2025-01-27. Review status: criteria provided, single submitter. Criteria: ACMG Guidelines, 2015. Collection method: clinical testing. Allele origin: germline.
Comment: This variant is classified as likely benign based on ACMG/AMP sequence variant interpretation guidelines (Richards et al. 2015 PMID: 25741868, with internal and published modifications).

NM_207361.6(FREM2):c.4092C>T (p.Ile1364=)

Gene: FREM2 (FRAS1 related extracellular matrix 2; plus strand). Cytogenetic location: 13q13.3.
Variant type: single nucleotide variant.
Coding change: c.4092C>T on transcript NM_207361.6 (MANE Select); coding-DNA position 4092, C replaced by T.
Protein change: p.Ile1364=; no amino-acid change (isoleucine 1364 retained).
Molecular consequence: synonymous variant.
Genome position (GRCh38, 1-based): chr13:38,691,436, C>T. VCF-style: chr13-38691436-C-T. GRCh37 (hg19) VCF-style: chr13-39265573-C-T.
Other names: c.4092C>T (NM_207361.5).
Identifiers: ClinVar variation 2895841 (VCV002895841.4), dbSNP rs376607787, ClinGen allele CA6954919.